The following is an entry in ClinVar:

ClinVar aggregate classification (germline): Uncertain significance. Review status: criteria provided, multiple submitters, no conflicts (2 of 4 stars). 2 submissions from 2 submitters: Uncertain significance (2). Last evaluated 2025-04-04.

Conditions:
Hereditary breast ovarian cancer syndrome. Also called: Hereditary breast and ovarian cancer syndrome; Hereditary breast and ovarian cancer; Hereditary breast and ovarian cancer syndrome (HBOC); Breast and ovarian cancer; Hereditary breast and/or ovarian cancer syndrome; BRCA1- and BRCA2-Associated Hereditary Breast and Ovarian Cancer. Identifiers: Orphanet 145, MedGen C0677776, MeSH D061325, MONDO:0003582. Disease mechanism: loss of function.
Hereditary cancer-predisposing syndrome. Also called: Tumor predisposition; Hereditary neoplastic syndrome; Neoplastic Syndromes, Hereditary; Hereditary Cancer Syndrome. Identifiers: Orphanet 140162, MedGen C0027672, MeSH D009386, MONDO:0015356.

Submissions (2):

Ambry Genetics
Classification: Uncertain significance for Hereditary cancer-predisposing syndrome. Last evaluated: 2025-04-04. Review status: criteria provided, single submitter. Criteria: Ambry Variant Classification Scheme 2023. Collection method: clinical testing. Allele origin: germline.
Comment: The p.F354C variant (also known as c.1061T>G), located in coding exon 9 of the BRCA2 gene, results from a T to G substitution at nucleotide position 1061. The phenylalanine at codon 354 is replaced by cysteine, an amino acid with highly dissimilar properties. This amino acid position is not well conserved in available vertebrate species. In addition, this alteration is predicted to be tolerated by in silico analysis. Based on the available evidence, the clinical significance of this variant remains unclear.

Labcorp Genetics (formerly Invitae), Labcorp
Classification: Uncertain significance for Hereditary breast ovarian cancer syndrome. Last evaluated: 2025-02-25. Review status: criteria provided, single submitter. Criteria: Invitae Variant Classification Sherloc (09022015). Collection method: clinical testing. Allele origin: germline.
Comment: This sequence change replaces phenylalanine, which is neutral and non-polar, with cysteine, which is neutral and slightly polar, at codon 354 of the BRCA2 protein (p.Phe354Cys). This variant is not present in population databases (gnomAD no frequency). This variant has not been reported in the literature in individuals affected with BRCA2-related conditions. Invitae Evidence Modeling of protein sequence and biophysical properties (such as structural, functional, and spatial information, amino acid conservation, physicochemical variation, residue mobility, and thermodynamic stability) indicates that this missense variant is not expected to disrupt BRCA2 protein function with a negative predictive value of 95%. In summary, the available evidence is currently insufficient to determine the role of this variant in disease. Therefore, it has been classified as a Variant of Uncertain Significance.

NM_000059.4(BRCA2):c.1061T>G (p.Phe354Cys)

Gene: BRCA2 (BRCA2 DNA repair associated; plus strand). Cytogenetic location: 13q13.1.
Variant type: single nucleotide variant.
Coding change: c.1061T>G on transcript NM_000059.4 (MANE Select); coding-DNA position 1061, T replaced by G.
Protein change: p.Phe354Cys; replaces phenylalanine 354 with cysteine.
Molecular consequence: missense variant. On other transcripts: non-coding transcript variant (1), intron variant (1).
Genome position (GRCh38, 1-based): chr13:32,332,539, T>G. VCF-style: chr13-32332539-T-G. GRCh37 (hg19) VCF-style: chr13-32906676-T-G.
Other names: c.1061T>G, p.Phe354Cys (NM_001406719.1, NM_001406720.1, NM_001406721.1 and 1 more transcripts); c.424+1509T>G (NM_001406722.1); short protein forms F354C.
Identifiers: ClinVar variation 3992780 (VCV003992780.2).
Genomic context (GRCh38, chr13:32,332,539, plus strand): 5'-ATGAAGCAAACGCTGATGAATGTGAAAAATCTAAAAACCAAGTGAAAGAAAAATACTCAT[T>G]TGTATCTGAAGTGGAACCAAATGATACTGATCCATTAGATTCAAATGTAGCAAATCAGAA-3'
Protein context (NP_000050.3, residues 344-364): SKNQVKEKYS[Phe354Cys]VSEVEPNDTD